The following is an entry in ClinVar:

ClinVar aggregate classification (germline): Likely benign (1 of 4 stars; one submission).

Allele frequency attached by ClinVar (database versions not stated): gnomAD exomes below 0.00001 and 0.00001; ExAC 0.00001.
gnomAD v4.1: 6 of 1,613,986 alleles (0.00037%); highest among the groups gnomAD compares: Non-Finnish European, 0.00051%; no homozygotes.

Submission:

Laboratory for Molecular Medicine, Mass General Brigham Personalized Medicine
Classification: Likely benign. Last evaluated: 2017-08-23. Review status: criteria provided, single submitter. Criteria: LMM Criteria. Collection method: clinical testing. Allele origin: germline. Observed: 1 variant allele.
Comment: p.Leu488Leu in exon 14 of EYA1: This variant is not expected to have clinical significance because it does not alter an amino acid residue and is not located within the splice consensus sequence. It has been identified in 1/66714 European chromosomes by the Exome Aggregation Consortium (ExAC; dbSNP rs770264648).

NM_000503.6(EYA1):c.1464C>T (p.Leu488=)

Gene: EYA1 (EYA transcriptional coactivator and phosphatase 1; minus strand). Cytogenetic location: 8q13.3.
Variant type: single nucleotide variant.
Coding change: c.1464C>T on transcript NM_000503.6 (MANE Select); coding-DNA position 1464, C replaced by T.
Protein change: p.Leu488=; no amino-acid change (leucine 488 retained).
Molecular consequence: synonymous variant.
Genome position (GRCh38, 1-based): chr8:71,215,625, G>A on the plus strand (C>T on the coding strand, the complement: EYA1 is on the minus strand). VCF-style: chr8-71215625-G-A. GRCh37 (hg19) VCF-style: chr8-72127860-G-A.
Other names: c.1446C>T, p.Leu482= (NM_001288574.2, NM_172059.5); c.1098C>T, p.Leu366= (NM_001288575.2); c.1551C>T, p.Leu517= (NM_001370333.1); c.1464C>T, p.Leu488= (NM_001370334.1, NM_001370335.1, NM_172058.4); c.1443C>T, p.Leu481= (NM_001370336.1).
Identifiers: ClinVar variation 929876 (VCV000929876.4), dbSNP rs770264648, ClinGen allele CA4779460.
Genomic context (GRCh38, chr8:71,215,625, plus strand): 5'-AGCACGAGCATTGCCCATTTCCTGGCAAAGACCCCGCAGAGAGCCTCACCGGGAGTGAAT[G>A]AGCGAGAGTGCTTTCAGGGCCAGTGTCAACCAGGAGTCGGTCAGGGCTTCAATTTCGGCC-3'
Protein context (NP_000494.2, residues 478-498): WLTLALKALS[Leu488=]IHSRTNCVNI